The following is an entry in ClinVar:

NM_152743.4(BRAT1):c.2449G>A (p.Glu817Lys)

Gene: BRAT1 (BRCA1 associated ATM activator 1; minus strand). Cytogenetic location: 7p22.3.
Variant type: single nucleotide variant.
Coding change: c.2449G>A on transcript NM_152743.4 (MANE Select); coding-DNA position 2449, G replaced by A.
Protein change: p.Glu817Lys; replaces glutamic acid 817 with lysine.
Molecular consequence: missense variant. On other transcripts: non-coding transcript variant (1).
Genome position (GRCh38, 1-based): chr7:2,538,086, C>T on the plus strand (G>A on the coding strand, the complement: BRAT1 is on the minus strand). VCF-style: chr7-2538086-C-T. GRCh37 (hg19) VCF-style: chr7-2577720-C-T.
Other names: c.2629G>A, p.Glu877Lys (NM_001350626.2); c.1924G>A, p.Glu642Lys (NM_001350627.2); short protein forms E877K, E642K, E817K.
Identifiers: ClinVar variation 642917 (VCV000642917.10), dbSNP rs761588914, ClinGen allele CA4127359.

ClinVar aggregate classification (germline): Uncertain significance. Review status: criteria provided, multiple submitters, no conflicts (2 of 4 stars). 2 submissions from 2 submitters: Uncertain significance (2). Last evaluated 2022-10-25.

Conditions:
Neonatal-onset encephalopathy with rigidity and seizures. Also called: Lethal neonatal spasticity-epileptic encephalopathy syndrome. Identifiers: Orphanet 435845, MedGen C3281029, MONDO:0013784, OMIM 614498.

Allele frequency attached by ClinVar (database versions not stated): TOPMed 0.00002; ExAC 0.00005; gnomAD 0.00006 and 0.00007; gnomAD exomes 0.00008.

Submissions (2):

Labcorp Genetics (formerly Invitae), Labcorp
Classification: Uncertain significance for Neonatal-onset encephalopathy with rigidity and seizures. Last evaluated: 2022-10-25. Review status: criteria provided, single submitter. Criteria: Invitae Variant Classification Sherloc (09022015). Collection method: clinical testing. Allele origin: germline.
Comment: This sequence change replaces glutamic acid, which is acidic and polar, with lysine, which is basic and polar, at codon 817 of the BRAT1 protein (p.Glu817Lys). This variant is present in population databases (rs761588914, gnomAD 0.04%). This variant has not been reported in the literature in individuals affected with BRAT1-related conditions. ClinVar contains an entry for this variant (Variation ID: 642917). Advanced modeling of protein sequence and biophysical properties (such as structural, functional, and spatial information, amino acid conservation, physicochemical variation, residue mobility, and thermodynamic stability) has been performed at Invitae for this missense variant, however the output from this modeling did not meet the statistical confidence thresholds required to predict the impact of this variant on BRAT1 protein function. In summary, the available evidence is currently insufficient to determine the role of this variant in disease. Therefore, it has been classified as a Variant of Uncertain Significance.

GeneDx
Classification: Uncertain significance. Last evaluated: 2022-09-23. Review status: criteria provided, single submitter. Criteria: GeneDx Variant Classification Process June 2021. Collection method: clinical testing. Allele origin: germline. Affected: yes.
Comment: In silico analysis supports that this missense variant does not alter protein structure/function; Has not been previously published as pathogenic or benign to our knowledge